The following is an entry in ClinVar:

NM_001127178.3(PIGG):c.1164G>A (p.Trp388Ter)

Gene: PIGG (phosphatidylinositol glycan anchor biosynthesis class G (EMM blood group); plus strand). Cytogenetic location: 4p16.3.
Variant type: single nucleotide variant.
Coding change: c.1164G>A on transcript NM_001127178.3 (MANE Select); coding-DNA position 1164, G replaced by A.
Protein change: p.Trp388Ter; replaces tryptophan 388 with a stop codon.
Molecular consequence: nonsense. On other transcripts: 5 prime UTR variant (2), non-coding transcript variant (10), intron variant (1).
Genome position (GRCh38, 1-based): chr4:521,105, G>A. VCF-style: chr4-521105-G-A. GRCh37 (hg19) VCF-style: chr4-514894-G-A.
Other names: c.897G>A, p.Trp299Ter (NM_001289051.2, NM_001289053.2, NM_001345986.2 and 1 more transcripts); c.765G>A, p.Trp255Ter (NM_001289052.2); c.798G>A, p.Trp266Ter (NM_001289055.2); c.135G>A, p.Trp45Ter (NM_001345988.2); c.1164G>A, p.Trp388Ter (NM_001345989.2, NM_017733.5); c.-324G>A (NM_001345990.2, NM_001345991.2); c.90G>A, p.Trp30Ter (NM_001345994.2); c.848-555G>A (NM_001289057.2); short protein forms W255*, W266*, W299*, W30*, W388*, W45*.
Identifiers: ClinVar variation 4822432 (VCV004822432.4).

ClinVar aggregate classification (germline): Pathogenic (1 of 4 stars; one submission).

gnomAD v4.1: 32 of 1,614,174 alleles (0.002%); highest among the groups gnomAD compares: Non-Finnish European, 0.0026%; no homozygotes.

Submission:

CeGaT Center for Human Genetics Tuebingen
Classification: Pathogenic. Last evaluated: 2026-02-01. Review status: criteria provided, single submitter. Criteria: CeGaT Center For Human Genetics Tuebingen Variant Classification Criteria Version 2. Collection method: clinical testing. Allele origin: germline. Affected: yes. Observed: 1 variant allele.
Comment: PIGG: PVS1, PM2